The following is an entry in ClinVar:

NM_024422.6(DSC2):c.1260del (p.Lys421fs)

Gene: DSC2 (desmocollin 2; minus strand). Cytogenetic location: 18q12.1.
Variant type: Deletion.
Coding change: c.1260del on transcript NM_024422.6 (MANE Select); coding-DNA position 1260, one base deleted (T; older notation c.1260delT).
Protein change: p.Lys421fs; shifts the reading frame from lysine 421.
Molecular consequence: frameshift variant.
Genome position (GRCh38, 1-based): chr18:31,082,241, A deleted on the plus strand (T on the coding strand, the reverse complement: DSC2 is on the minus strand); the first of 2 consecutive A bases (chr18:31,082,241-31,082,242); deleting either gives the same sequence. VCF-style (leftmost placement, unchanged base first): chr18-31082240-TA-T. GRCh37 (hg19) VCF-style: chr18-28662206-TA-T.
Other names: c.830delT, p.Lys278Serfs (NM_001406506.1, NM_001406507.1); c.1260del, p.Lys421fs (NM_004949.5); short protein forms K421fs.
Identifiers: ClinVar variation 2132520 (VCV002132520.4), dbSNP rs2510948219, ClinGen allele CA2580095568.

ClinVar aggregate classification (germline): Pathogenic (1 of 4 stars; one submission).

Conditions:
Arrhythmogenic right ventricular dysplasia 11. Also called: Arrhythmogenic right ventricular dysplasia 11 with mild palmoplantar keratoderma and woolly hair; Arrhythmogenic Right Ventricular Dysplasia/Cardiomyopathy11; ARRHYTHMOGENIC RIGHT VENTRICULAR DYSPLASIA, FAMILIAL, 11. Identifiers: MedGen C1864850, MONDO:0012506, OMIM 610476.

Submission:

Labcorp Genetics (formerly Invitae), Labcorp
Classification: Pathogenic for Arrhythmogenic right ventricular dysplasia 11. Last evaluated: 2024-01-25. Review status: criteria provided, single submitter. Criteria: Invitae Variant Classification Sherloc (09022015). Collection method: clinical testing. Allele origin: germline.
Comment: This sequence change creates a premature translational stop signal (p.Lys421Serfs*3) in the DSC2 gene. It is expected to result in an absent or disrupted protein product. Loss-of-function variants in DSC2 are known to be pathogenic (PMID: 23911551). This variant is not present in population databases (gnomAD no frequency). This variant has not been reported in the literature in individuals affected with DSC2-related conditions. ClinVar contains an entry for this variant (Variation ID: 2132520). For these reasons, this variant has been classified as Pathogenic.

Literature cited by the submitters: PubMed 23911551.